The following is an entry in ClinVar:

ClinVar aggregate classification (germline): Uncertain significance (1 of 4 stars; one submission).

gnomAD v4.1: 2 of 1,613,928 alleles (0.00012%); highest among the groups gnomAD compares: Non-Finnish European, 0.00017%; no homozygotes.

Submission:

Labcorp Genetics (formerly Invitae), Labcorp
Classification: Uncertain significance. Last evaluated: 2024-04-05. Review status: criteria provided, single submitter. Criteria: Invitae Variant Classification Sherloc (09022015). Collection method: clinical testing. Allele origin: germline.
Comment: This sequence change replaces methionine, which is neutral and non-polar, with arginine, which is basic and polar, at codon 679 of the SLC27A5 protein (p.Met679Arg). This variant is not present in population databases (gnomAD no frequency). This variant has not been reported in the literature in individuals affected with SLC27A5-related conditions. An algorithm developed to predict the effect of missense changes on protein structure and function (PolyPhen-2) suggests that this variant is likely to be tolerated. Algorithms developed to predict the effect of sequence changes on RNA splicing suggest that this variant may create or strengthen a splice site. In summary, the available evidence is currently insufficient to determine the role of this variant in disease. Therefore, it has been classified as a Variant of Uncertain Significance.

NM_012254.3(SLC27A5):c.2036T>G (p.Met679Arg)

Gene: SLC27A5 (solute carrier family 27 member 5; minus strand). Cytogenetic location: 19q13.43.
Variant type: single nucleotide variant.
Coding change: c.2036T>G on transcript NM_012254.3 (MANE Select); coding-DNA position 2036, T replaced by G.
Protein change: p.Met679Arg; replaces methionine 679 with arginine.
Molecular consequence: missense variant.
Genome position (GRCh38, 1-based): chr19:58,498,552, A>C on the plus strand (T>G on the coding strand, the complement: SLC27A5 is on the minus strand). VCF-style: chr19-58498552-A-C. GRCh37 (hg19) VCF-style: chr19-59009919-A-C.
Other names: c.1784T>G, p.Met595Arg (NM_001321196.2); short protein forms M595R, M679R.
Identifiers: ClinVar variation 3684799 (VCV003684799.2).